The following is an entry in ClinVar:

ClinVar aggregate classification (germline): Uncertain significance. Review status: criteria provided, multiple submitters, no conflicts (2 of 4 stars). 2 submissions from 2 submitters: Uncertain significance (2). Last evaluated 2024-03-06.

Conditions:
Wilson disease (WND). Also called: Wilson's disease. Identifiers: Orphanet 905, MedGen C0019202, MONDO:0010200, OMIM 277900. Disease mechanism: loss of function.

Allele frequency attached by ClinVar (database versions not stated): gnomAD exomes below 0.00001; TOPMed below 0.00001; ExAC 0.00001; gnomAD 0.00001.
gnomAD v4.1: 4 of 1,614,072 alleles (0.00025%); highest among the groups gnomAD compares: African/African-American, 0.0013%; no homozygotes.

Submissions (2):

Color Diagnostics, LLC DBA Color Health
Classification: Uncertain significance for Wilson disease. Last evaluated: 2024-03-06. Review status: criteria provided, single submitter. Criteria: ACMG Guidelines, 2015. Collection method: clinical testing. Allele origin: germline.
Comment: This missense variant replaces valine with isoleucine at codon 734 of the ATP7B protein. Computational prediction is inconclusive regarding the impact of this variant on protein structure and function (internally defined REVEL score threshold 0.5 < inconclusive < 0.7, PMID: 27666373). To our knowledge, functional studies have not been reported for this variant. This variant has not been reported in individuals affected with Wilson disease in the literature. This variant has been identified in 1/249590 chromosomes in the general population by the Genome Aggregation Database (gnomAD). The available evidence is insufficient to determine the role of this variant in disease conclusively. Therefore, this variant is classified as a Variant of Uncertain Significance.

All of Us Research Program, National Institutes of Health
Classification: Uncertain significance for Wilson disease. Last evaluated: 2024-01-08. Review status: criteria provided, single submitter. Criteria: ACMG Guidelines, 2015. Collection method: clinical testing. Allele origin: germline. Inheritance: Autosomal recessive inheritance. Observed: 3 variant alleles, 3 heterozygotes.
Comment: This missense variant replaces valine with isoleucine at codon 734 of the ATP7B protein. Computational prediction is inconclusive regarding the impact of this variant on protein structure and function (internally defined REVEL score threshold 0.5 < inconclusive < 0.7, PMID: 27666373). To our knowledge, functional studies have not been reported for this variant. This variant has not been reported in individuals affected with Wilson disease in the literature. This variant has been identified in 1/249590 chromosomes in the general population by the Genome Aggregation Database (gnomAD). The available evidence is insufficient to determine the role of this variant in disease conclusively. Therefore, this variant is classified as a Variant of Uncertain Significance.

This study involves interpretation of variants in research participants for the purpose of population health screening. Participant phenotype was not available at the time of variant classification. Additional details can be found in publication PMID: 35346344, PMCID: PMC8962531

NM_000053.4(ATP7B):c.2200G>A (p.Val734Ile)

Gene: ATP7B (ATPase copper transporting beta; minus strand). Cytogenetic location: 13q14.3.
Variant type: single nucleotide variant.
Coding change: c.2200G>A on transcript NM_000053.4 (MANE Select); coding-DNA position 2200, G replaced by A.
Protein change: p.Val734Ile; replaces valine 734 with isoleucine.
Molecular consequence: missense variant. On other transcripts: intron variant (20).
Genome position (GRCh38, 1-based): chr13:51,958,466, C>T on the plus strand (G>A on the coding strand, the complement: ATP7B is on the minus strand). VCF-style: chr13-51958466-C-T. GRCh37 (hg19) VCF-style: chr13-52532602-C-T.
Other names: c.1867G>A, p.Val623Ile (NM_001243182.2); c.1948G>A, p.Val650Ile (NM_001330579.2, NM_001406540.1, NM_001406531.1 and 1 more transcripts); c.2200G>A, p.Val734Ile (NM_001406511.1, NM_001406512.1, NM_001406513.1 and 7 more transcripts); c.2167G>A, p.Val723Ile (NM_001406514.1); c.1771G>A, p.Val591Ile (NM_001406539.1); c.1852G>A, p.Val618Ile (NM_001406543.1); c.1870-859G>A (NM_001406541.1, NM_001005918.3, NM_001406546.1 and 1 more transcripts); c.2122-859G>A (NM_001406527.1, NM_001406528.1, NM_001406534.1 and 2 more transcripts); and 8 more; short protein forms V591I, V618I, V623I, V650I, V702I, V723I, V734I.
Identifiers: ClinVar variation 3075617 (VCV003075617.2), dbSNP rs781325777, ClinGen allele CA6989084.